The following is an entry in ClinVar:

ClinVar aggregate classification (germline): Likely pathogenic (1 of 4 stars; one submission).

Conditions:
Imagawa-Matsumoto syndrome. Identifiers: Orphanet 659463, MedGen C5394073, MONDO:0032916, OMIM 618786.

Submission:

Variantyx, Inc.
Classification: Likely pathogenic for Imagawa-Matsumoto syndrome. Last evaluated: 2025-05-20. Review status: criteria provided, single submitter. Criteria: Variantyx Assertion Criteria 2022. Collection method: clinical testing. Allele origin: germline. Inheritance: Autosomal dominant inheritance. Affected: yes.
Comment: This is a frameshift variant in the SUZ12 gene (OMIM: 606245). Pathogenic variants in this gene have been associated with autosomal dominant Imagawa-Matsumoto syndrome. This variant introduces a premature termination codon in exon 12 out of 16 and is expected to result in loss of function, which is a known disease mechanism for SUZ12 in this disorder (PMID: 30019515, 31736240, 36645289) (PVS1). This variant is absent from control populations (PM2). Based on the current evidence, this variant is classified as likely pathogenic for autosomal dominant Imagawa-Matsumoto syndrome.

Literature cited by the submitters: PubMed 30019515; PubMed 31736240; PubMed 36645289.

NM_015355.4(SUZ12):c.1342del (p.Leu448fs)

Gene: SUZ12 (SUZ12 polycomb repressive complex 2 subunit; plus strand). Cytogenetic location: 17q11.2.
Variant type: Deletion.
Coding change: c.1342del on transcript NM_015355.4 (MANE Select); coding-DNA position 1342, one base deleted (C; older notation c.1342delC).
Protein change: p.Leu448fs; shifts the reading frame from leucine 448.
Molecular consequence: frameshift variant.
Genome position (GRCh38, 1-based): chr17:31,993,913, C deleted; the last of 2 consecutive C bases (chr17:31,993,912-31,993,913); deleting either gives the same sequence. VCF-style (leftmost placement, unchanged base first): chr17-31993911-AC-A. GRCh37 (hg19) VCF-style: chr17-30320930-AC-A.
Other names: c.1273del, p.Leu425fs (NM_001321207.2); short protein forms L425fs, L448fs.
Identifiers: ClinVar variation 4850819 (VCV004850819.1).